The following is an entry in ClinVar:

NM_000337.6(SGCD):c.503G>A (p.Gly168Glu)

Gene: SGCD (sarcoglycan delta; plus strand). Cytogenetic location: 5q33.3.
Variant type: single nucleotide variant.
Coding change: c.503G>A on transcript NM_000337.6 (MANE Select); coding-DNA position 503, G replaced by A.
Protein change: p.Gly168Glu; replaces glycine 168 with glutamic acid.
Molecular consequence: missense variant.
Genome position (GRCh38, 1-based): chr5:156,647,464, G>A. VCF-style: chr5-156647464-G-A. GRCh37 (hg19) VCF-style: chr5-156074474-G-A.
Other names: c.500G>A, p.Gly167Glu (NM_001128209.2); c.503G>A, p.Gly168Glu (NM_172244.3); short protein forms G167E, G168E.
Identifiers: ClinVar variation 4825885 (VCV004825885.1).
Genomic context (GRCh38, chr5:156,647,464, plus strand): 5'-TGTGCCTACAGGTGACTCCAGTATCTCCAATCTCTGTTTGCTTTTCTGTTTTGTTTACAG[G>A]AGCGGAGGGCACAGTGTTCCCTAAATCTATAGAAACACCTAATGTCAGGGCAGACCCCTT-3'
Protein context (NP_000328.2, residues 158-178): VVGAERLRVL[Gly168Glu]AEGTVFPKSI

ClinVar aggregate classification (germline): Uncertain significance (1 of 4 stars; one submission).

Conditions:
Inborn genetic diseases. Identifiers: MedGen C0950123, MeSH D030342.

Submission:

Ambry Genetics
Classification: Uncertain significance for Inborn genetic diseases. Last evaluated: 2026-03-07. Review status: criteria provided, single submitter. Criteria: Ambry Variant Classification Scheme 2023. Collection method: clinical testing. Allele origin: germline.
Comment: The p.G168E variant (also known as c.503G>A) is located in coding exon 6 of the SGCD gene. The glycine at codon 168 is replaced by glutamic acid, an amino acid with similar properties. This change occurs in the first base pair of coding exon 6. This amino acid position is conserved. In addition, this alteration is predicted to be deleterious by in silico analysis. Based on the available evidence, the clinical significance of this variant remains unclear.